The following is an entry in ClinVar:

NM_001127208.3(TET2):c.2326T>G (p.Phe776Val)

Genes: TET2 (tet methylcytosine dioxygenase 2; plus strand), TET2-AS1 (TET2 antisense RNA 1; minus strand). Cytogenetic location: 4q24.
Variant type: single nucleotide variant.
Coding change: c.2326T>G on transcript NM_001127208.3 (MANE Select); coding-DNA position 2326, T replaced by G.
Protein change: p.Phe776Val; replaces phenylalanine 776 with valine.
Molecular consequence: missense variant.
Genome position (GRCh38, 1-based): chr4:105,236,268, T>G. VCF-style: chr4-105236268-T-G. GRCh37 (hg19) VCF-style: chr4-106157425-T-G.
Other names: c.2326T>G, p.Phe776Val (NM_017628.4); short protein forms F776V.
Identifiers: ClinVar variation 4594150 (VCV004594150.1).

ClinVar aggregate classification (germline): Uncertain significance (1 of 4 stars; one submission).

Submission:

Ambry Genetics
Classification: Uncertain significance. Last evaluated: 2025-10-10. Review status: criteria provided, single submitter. Criteria: Ambry Variant Classification Scheme 2023. Collection method: clinical testing. Allele origin: germline.
Comment: The p.F776V variant (also known as c.2326T>G), located in coding exon 1 of the TET2 gene, results from a T to G substitution at nucleotide position 2326. The phenylalanine at codon 776 is replaced by valine, an amino acid with highly similar properties. This amino acid position is conserved. In addition, the in silico prediction for this alteration is inconclusive. Based on the available evidence, the clinical significance of this variant remains unclear.